The following is an entry in ClinVar:

NM_007286.6(SYNPO):c.2372CCCCGC[7] (p.Pro797_Pro800dup)

Genes: SYNPO (synaptopodin; plus strand), LOC129995011 (ATAC-STARR-seq lymphoblastoid silent region 16516; plus strand). Cytogenetic location: 5q33.1.
Variant type: Microsatellite.
Coding change: c.2372CCCCGC[7] on transcript NM_007286.6 (MANE Select); seven copies in a row of the 6-base unit CCCCGC starting at c.2372; the reference has five copies in a row; two copies, 12 bases duplicated.
Protein change: p.Pro797_Pro800dup.
Molecular consequence: inframe insertion.
Genome position (GRCh38, 1-based): chr5:150,656,765-150,656,776, CCCCGCCCCCGC duplicated; duplicating any 12 consecutive bases within chr5:150,656,743-150,656,776 gives the same sequence; the position shown is the placement nearest the transcript's 3' end. VCF-style (leftmost placement, unchanged base first): chr5-150656742-A-ACCGCCCCCGCCC. GRCh37 (hg19) VCF-style: chr5-150036304-A-ACCGCCCCCGCCC.
Identifiers: ClinVar variation 1511715 (VCV001511715.6), dbSNP rs769259449, ClinGen allele CA447411058.

ClinVar aggregate classification (germline): Uncertain significance (1 of 4 stars; one submission).

Submission:

Labcorp Genetics (formerly Invitae), Labcorp
Classification: Uncertain significance. Last evaluated: 2024-12-16. Review status: criteria provided, single submitter. Criteria: Invitae Variant Classification Sherloc (09022015). Collection method: clinical testing. Allele origin: germline.
Comment: This variant, c.2390_2401dup, results in the insertion of 4 amino acid(s) of the SYNPO protein (p.Pro797_Pro800dup), but otherwise preserves the integrity of the reading frame. The frequency data for this variant in the population databases is considered unreliable, as metrics indicate poor data quality at this position in the gnomAD database. This variant has not been reported in the literature in individuals affected with SYNPO-related conditions. Experimental studies and prediction algorithms are not available or were not evaluated, and the functional significance of this variant is currently unknown. In summary, the available evidence is currently insufficient to determine the role of this variant in disease. Therefore, it has been classified as a Variant of Uncertain Significance.